The following is an entry in ClinVar:

NM_000748.3(CHRNB2):c.1434C>A (p.Phe478Leu)

Gene: CHRNB2 (cholinergic receptor nicotinic beta 2 subunit; plus strand). Cytogenetic location: 1q21.3.
Variant type: single nucleotide variant.
Coding change: c.1434C>A on transcript NM_000748.3 (MANE Select); coding-DNA position 1434, C replaced by A.
Protein change: p.Phe478Leu; replaces phenylalanine 478 with leucine.
Molecular consequence: missense variant.
Genome position (GRCh38, 1-based): chr1:154,575,857, C>A. VCF-style: chr1-154575857-C-A. GRCh37 (hg19) VCF-style: chr1-154548333-C-A.
Other names: c.1434C>A (NM_000748.2); short protein forms F478L.
Identifiers: ClinVar variation 1923878 (VCV001923878.6), dbSNP rs767243629, ClinGen allele CA1130884.

ClinVar aggregate classification (germline): Conflicting classifications of pathogenicity. Review status: criteria provided, conflicting classifications (1 of 4 stars). 2 submissions from 2 submitters: Uncertain significance (1); Benign (1). Last evaluated 2024-04-24.

Conditions:
Familial sleep-related hypermotor epilepsy. Also called: Autosomal Dominant Sleep-Related Hypermotor (Hyperkinetic) Epilepsy. Identifiers: Orphanet 98784, MedGen C3696898, MONDO:0000030.

Allele frequency attached by ClinVar (database versions not stated): gnomAD exomes 0.00001; ExAC 0.00002; TOPMed below 0.00001.
gnomAD v4.1: 4 of 1,614,126 alleles (0.00025%); highest among the groups gnomAD compares: Non-Finnish European, 0.00034%; no homozygotes.

Submissions (2):

GeneDx
Classification: Uncertain significance. Last evaluated: 2024-04-24. Review status: criteria provided, single submitter. Criteria: GeneDx Variant Classification Process June 2021. Collection method: clinical testing. Allele origin: germline. Affected: yes.
Comment: Not observed at significant frequency in large population cohorts (gnomAD); In silico analysis supports that this missense variant has a deleterious effect on protein structure/function; Has not been previously published as pathogenic or benign to our knowledge

Labcorp Genetics (formerly Invitae), Labcorp
Classification: Benign. Last evaluated: 2022-02-08. Review status: criteria provided, single submitter. Criteria: Invitae Variant Classification Sherloc (09022015). Collection method: clinical testing. Allele origin: germline.